The following is an entry in ClinVar:

NM_004304.5(ALK):c.2044C>A (p.His682Asn)

Gene: ALK (ALK receptor tyrosine kinase; minus strand). Cytogenetic location: 2p23.2.
Variant type: single nucleotide variant.
Coding change: c.2044C>A on transcript NM_004304.5 (MANE Select); coding-DNA position 2044, C replaced by A.
Protein change: p.His682Asn; replaces histidine 682 with asparagine.
Molecular consequence: missense variant.
Genome position (GRCh38, 1-based): chr2:29,251,265, G>T on the plus strand (C>A on the coding strand, the complement: ALK is on the minus strand). VCF-style: chr2-29251265-G-T. GRCh37 (hg19) VCF-style: chr2-29474131-G-T.
Other names: c.2044C>A (NM_004304.4); short protein forms H682N.
Identifiers: ClinVar variation 2129087 (VCV002129087.6), dbSNP rs1313368016, ClinGen allele CA346477256.

ClinVar aggregate classification (germline): Uncertain significance. Review status: criteria provided, multiple submitters, no conflicts (2 of 4 stars). 2 submissions from 2 submitters: Uncertain significance (2). Last evaluated 2023-07-15.

Conditions:
Neuroblastoma, susceptibility to, 3. Also called: ALK-Related Neuroblastic Tumor Susceptibility. Identifiers: Orphanet 635, MedGen C2751681, MONDO:0013083, OMIM 613014.
Hereditary cancer-predisposing syndrome. Also called: Hereditary Cancer Syndrome; Neoplastic Syndromes, Hereditary; Hereditary neoplastic syndrome; Tumor predisposition. Identifiers: Orphanet 140162, MedGen C0027672, MeSH D009386, MONDO:0015356.

Allele frequency attached by ClinVar (database versions not stated): TOPMed below 0.00001; gnomAD 0.00001.
gnomAD v4.1: 1 of 1,613,198 alleles (0.000062%); highest among the groups gnomAD compares: African/African-American, 0.0013%; no homozygotes.

Submissions (2):

Ambry Genetics
Classification: Uncertain significance for Hereditary cancer-predisposing syndrome. Last evaluated: 2023-07-15. Review status: criteria provided, single submitter. Criteria: Ambry Variant Classification Scheme 2023. Collection method: clinical testing. Allele origin: germline.
Comment: The p.H682N variant (also known as c.2044C>A), located in coding exon 12 of the ALK gene, results from a C to A substitution at nucleotide position 2044. The histidine at codon 682 is replaced by asparagine, an amino acid with similar properties. This amino acid position is conserved. In addition, this alteration is predicted to be tolerated by in silico analysis. Since supporting evidence is limited at this time, the clinical significance of this alteration remains unclear.

Labcorp Genetics (formerly Invitae), Labcorp
Classification: Uncertain significance for Neuroblastoma, susceptibility to, 3. Last evaluated: 2022-04-22. Review status: criteria provided, single submitter. Criteria: Invitae Variant Classification Sherloc (09022015). Collection method: clinical testing. Allele origin: germline.
Comment: Algorithms developed to predict the effect of missense changes on protein structure and function are either unavailable or do not agree on the potential impact of this missense change (SIFT: "Deleterious"; PolyPhen-2: "Benign"; Align-GVGD: "Class C15"). In summary, the available evidence is currently insufficient to determine the role of this variant in disease. Therefore, it has been classified as a Variant of Uncertain Significance. This variant has not been reported in the literature in individuals affected with ALK-related conditions. This variant is present in population databases (no rsID available, gnomAD 0.007%). This sequence change replaces histidine, which is basic and polar, with asparagine, which is neutral and polar, at codon 682 of the ALK protein (p.His682Asn).